The following is an entry in ClinVar:

NM_014165.4(NDUFAF4):c.*1214G>A

Gene: NDUFAF4 (NADH:ubiquinone oxidoreductase complex assembly factor 4; minus strand). Cytogenetic location: 6q16.1.
Variant type: single nucleotide variant.
Coding change: c.*1214G>A on transcript NM_014165.4 (MANE Select); 1214 bases downstream of the stop codon, G replaced by A.
Molecular consequence: 3 prime UTR variant.
Genome position (GRCh38, 1-based): chr6:96,889,890, C>T on the plus strand (G>A on the coding strand, the complement: NDUFAF4 is on the minus strand). VCF-style: chr6-96889890-C-T. GRCh37 (hg19) VCF-style: chr6-97337766-C-T.
Identifiers: ClinVar variation 911846 (VCV000911846.4), dbSNP rs17057099, ClinGen allele CA15437982.

ClinVar aggregate classification (germline): Likely benign (1 of 4 stars; one submission).

Conditions:
Mitochondrial complex I deficiency, nuclear type 1. Also called: NADH-COENZYME Q REDUCTASE DEFICIENCY; MITOCHONDRIAL NADH DEHYDROGENASE COMPONENT OF COMPLEX I, DEFICIENCY OF. Identifiers: MedGen C6022305, MONDO:0100224, OMIM 252010.

Allele frequency attached by ClinVar (database versions not stated): gnomAD 0.01158 and 0.01241; 1000 Genomes Project 0.01338; TOPMed 0.01338; 1000 Genomes Project 30x 0.01421.

Submission:

Illumina Laboratory Services, Illumina
Classification: Likely benign for Mitochondrial complex I deficiency, nuclear type 1. Last evaluated: 2017-04-27. Review status: criteria provided, single submitter. Criteria: ICSL Variant Classification Criteria 13 December 2019. Collection method: clinical testing. Allele origin: germline.
Comment: This variant was observed as part of a predisposition screen in an ostensibly healthy population. A literature search was performed for the gene, cDNA change, and amino acid change (where applicable). No publications were found based on this search. Allele frequency data from public databases allowed determination this variant is unlikely to cause disease. Therefore, this variant is classified as likely benign.